The following is an entry in ClinVar:

NM_015378.4(VPS13D):c.676A>G (p.Met226Val)

Gene: VPS13D (vacuolar protein sorting 13 homolog D; plus strand). Cytogenetic location: 1p36.22.
Variant type: single nucleotide variant.
Coding change: c.676A>G on transcript NM_015378.4 (MANE Select); coding-DNA position 676, A replaced by G.
Protein change: p.Met226Val; replaces methionine 226 with valine.
Molecular consequence: missense variant.
Genome position (GRCh38, 1-based): chr1:12,256,339, A>G. VCF-style: chr1-12256339-A-G. GRCh37 (hg19) VCF-style: chr1-12316396-A-G.
Other names: c.676A>G, p.Met226Val (NM_018156.4); c.676A>G (NM_015378.2); short protein forms M226V.
Identifiers: ClinVar variation 1315488 (VCV001315488.3), dbSNP rs973655867, ClinGen allele CA18025511.

ClinVar aggregate classification (germline): Uncertain significance. Review status: criteria provided, multiple submitters, no conflicts (2 of 4 stars). 2 submissions from 2 submitters: Uncertain significance (2). Last evaluated 2025-04-03.

Conditions:
Inborn genetic diseases. Identifiers: MedGen C0950123, MeSH D030342.

Allele frequency attached by ClinVar (database versions not stated): TOPMed 0.00002; gnomAD exomes 0.00003 and 0.00001.
gnomAD v4.1: 46 of 1,613,566 alleles (0.0029%); highest among the groups gnomAD compares: Non-Finnish European, 0.0039%; no homozygotes.

Submissions (2):

Ambry Genetics
Classification: Uncertain significance for Inborn genetic diseases. Last evaluated: 2025-04-03. Review status: criteria provided, single submitter. Criteria: Ambry Variant Classification Scheme 2023. Collection method: clinical testing. Allele origin: germline.

GeneDx
Classification: Uncertain significance. Last evaluated: 2020-03-12. Review status: criteria provided, single submitter. Criteria: GeneDx Variant Classification Process June 2021. Collection method: clinical testing. Allele origin: germline. Affected: yes.
Comment: Not observed at a significant frequency in large population cohorts (Lek et al., 2016); In silico analysis supports that this missense variant does not alter protein structure/function; Has not been previously published as pathogenic or benign to our knowledge